The following is an entry in ClinVar:

NM_015570.4(AUTS2):c.979C>T (p.Arg327Cys)

Gene: AUTS2 (activator of transcription and developmental regulator AUTS2; plus strand). Cytogenetic location: 7q11.22.
Variant type: single nucleotide variant.
Coding change: c.979C>T on transcript NM_015570.4 (MANE Select); coding-DNA position 979, C replaced by T.
Protein change: p.Arg327Cys; replaces arginine 327 with cysteine.
Molecular consequence: missense variant.
Genome position (GRCh38, 1-based): chr7:70,763,106, C>T. VCF-style: chr7-70763106-C-T. GRCh37 (hg19) VCF-style: chr7-70228092-C-T.
Other names: c.979C>T (NM_015570.2); c.979C>T, p.Arg327Cys (NM_001127231.3); short protein forms R327C.
Identifiers: ClinVar variation 702089 (VCV000702089.11), dbSNP rs141599415, ClinGen allele CA4280527.

ClinVar aggregate classification (germline): Benign/Likely benign. Review status: criteria provided, multiple submitters, no conflicts (2 of 4 stars). 4 submissions from 4 submitters: Benign (1); Likely benign (1). 2 of the submissions do not count toward it. Last evaluated 2025-10-24.

Conditions:
AUTS2-related disorder. Also called: AUTS2-related condition.
Autism spectrum disorder due to AUTS2 deficiency (MRD26). Also called: INTELLECTUAL DEVELOPMENTAL DISORDER, AUTOSOMAL DOMINANT 26. Identifiers: Orphanet 352490, MedGen C4014435, MONDO:0014361, OMIM 615834.
concomitant exotropia.

Allele frequency attached by ClinVar (database versions not stated): gnomAD 0.00006 and 0.00015; TOPMed 0.00011; gnomAD exomes 0.00021 and 0.00024; ExAC 0.00030; 1000 Genomes Project 30x 0.00062; 1000 Genomes Project 0.00080.
gnomAD v4.1: 369 of 1,614,064 alleles (0.023%); highest among the groups gnomAD compares: East Asian, 0.77%; 3 homozygotes.

Submissions (4):

Labcorp Genetics (formerly Invitae), Labcorp
Classification: Benign. Last evaluated: 2025-10-24. Review status: criteria provided, single submitter. Criteria: Invitae Variant Classification Sherloc (09022015). Collection method: clinical testing. Allele origin: germline.

Fulgent Genetics
Classification: Likely benign for Autism spectrum disorder due to AUTS2 deficiency. Last evaluated: 2021-07-27. Review status: criteria provided, single submitter. Criteria: ACMG Guidelines, 2015. Collection method: clinical testing. Allele origin: unknown.

Ophthalmology Lab, The First People's Hospital of Yunnan Provience
Classification: Likely pathogenic for concomitant exotropia. Last evaluated: 2024-08-30. Review status: no assertion criteria provided. Collection method: clinical testing. Allele origin: inherited. Affected: yes. Observed: 5 variant alleles. Not counted in ClinVar's aggregate classification.
Comment: Dominant inheritance. AUTS2 was the pedigree coisolation gene in F4, and the variant (c.979C>T(p.R327C)) was not detected in 496 sporadic concomitant exotropia samples and 239 normal samples. Then, 220 sporadic samples were used for capture sequencing to search for other possible variants. The results showed that there were 15 mutations (including 12 SNPs and 3 Indels) at multiple sites in AUTS2 . Among them, three samples had the same SNP site mutation (c.2600A>G (p.K867R)). Based on this, we consider that AUTS2 may be a pathogenic gene that causes hereditary concomitant exotropia. AUTS2 (activator of transcription and developmental regulator) is a protein-coding gene. This gene has been implicated in neurodevelopment and as a candidate gene for numerous neurological disorders, including intellectual disability, developmental delay, and autism spectrum disorders. This is consistent with neurogenic factors related to the pathogenesis of strabismus.

PreventionGenetics, part of Exact Sciences
Classification: Likely benign for AUTS2-related condition. Last evaluated: 2022-04-06. Review status: no assertion criteria provided. Collection method: clinical testing. Allele origin: germline. Not counted in ClinVar's aggregate classification.
Comment: This variant is classified as likely benign based on ACMG/AMP sequence variant interpretation guidelines (Richards et al. 2015 PMID: 25741868, with internal and published modifications).